The following is an entry in ClinVar:

ClinVar aggregate classification (germline): Uncertain significance (1 of 4 stars; one submission).

Submission:

Dasa
Classification: Uncertain significance. Last evaluated: 2025-11-26. Review status: criteria provided, single submitter. Criteria: DASA Assertion Criteria. Collection method: clinical testing. Allele origin: germline.
Comment: NM_001369268.1(ACAN):c.2279C>G (p.Thr760Ser) is a missense variant that results in the substitution of threonine with serine. This variant is absent from population databases. Computational prediction algorithms are consistent with a benign effect. The currently available literature and clinical evidence are not sufficient to establish a definitive association between this variant and the reported condition. Therefore, this variant is classified as a variant of uncertain significance.

NM_001369268.1(ACAN):c.2279C>G (p.Thr760Ser)

Gene: ACAN (aggrecan; plus strand). Cytogenetic location: 15q26.1.
Variant type: single nucleotide variant.
Coding change: c.2279C>G on transcript NM_001369268.1 (MANE Select); coding-DNA position 2279, C replaced by G.
Protein change: p.Thr760Ser; replaces threonine 760 with serine.
Molecular consequence: missense variant.
Genome position (GRCh38, 1-based): chr15:88,854,864, C>G. VCF-style: chr15-88854864-C-G. GRCh37 (hg19) VCF-style: chr15-89398095-C-G.
Other names: c.2279C>G, p.Thr760Ser (NM_001135.4, NM_001411096.1, NM_001411097.1 and 1 more transcripts); short protein forms T760S.
Identifiers: ClinVar variation 4883125 (VCV004883125.2).